The following is an entry in ClinVar:

ClinVar aggregate classification (germline): Uncertain significance (1 of 4 stars; one submission).

Submission:

GeneDx
Classification: Uncertain significance. Last evaluated: 2026-03-04. Review status: criteria provided, single submitter. Criteria: GeneDx Variant Classification Process June 2021. Collection method: clinical testing. Allele origin: germline.
Comment: Not observed at significant frequency in large population cohorts (gnomAD); In silico analysis supports that this missense variant has a deleterious effect on protein structure/function; Has not been previously published as pathogenic or benign to our knowledge

NM_000146.4(FTL):c.270G>C (p.Trp90Cys)

Gene: FTL (ferritin light chain; plus strand). Cytogenetic location: 19q13.33.
Variant type: single nucleotide variant.
Coding change: c.270G>C on transcript NM_000146.4 (MANE Select); coding-DNA position 270, G replaced by C.
Protein change: p.Trp90Cys; replaces tryptophan 90 with cysteine.
Molecular consequence: missense variant.
Genome position (GRCh38, 1-based): chr19:48,966,301, G>C. VCF-style: chr19-48966301-G-C. GRCh37 (hg19) VCF-style: chr19-49469558-G-C.
Other names: short protein forms W90C.
Identifiers: ClinVar variation 5010095 (VCV005010095.1).
Genomic context (GRCh38, chr19:48,966,301, plus strand): 5'-CGAGTGTGTGTATTCTGAGCCATTTCTCCCTTCTATATAGAAGCCAGCTGAAGATGAGTG[G>C]GGTAAAACCCCAGACGCCATGAAAGCTGCCATGGCCCTGGAGAAAAAGCTGAACCAGGCC-3'
Protein context (NP_000137.2, residues 80-100): QDIKKPAEDE[Trp90Cys]GKTPDAMKAA